The following is an entry in ClinVar:

ClinVar aggregate classification (germline): Uncertain significance (1 of 4 stars; one submission).

Conditions:
POLD1-related polyposis and colorectal cancer syndrome (CRCS10). Also called: Colorectal cancer 10; COLORECTAL CANCER, SUSCEPTIBILITY TO, ON CHROMOSOME 19q; Colorectal cancer, susceptibility to, 10. Identifiers: Orphanet 220460, MedGen C2675481, MONDO:0012953, OMIM 612591.

Submission:

Labcorp Genetics (formerly Invitae), Labcorp
Classification: Uncertain significance for POLD1-related polyposis and colorectal cancer syndrome. Last evaluated: 2022-01-27. Review status: criteria provided, single submitter. Criteria: Invitae Variant Classification Sherloc (09022015). Collection method: clinical testing. Allele origin: germline.
Comment: In summary, the available evidence is currently insufficient to determine the role of this variant in disease. Therefore, it has been classified as a Variant of Uncertain Significance. Algorithms developed to predict the effect of missense changes on protein structure and function are either unavailable or do not agree on the potential impact of this missense change (SIFT: "Deleterious"; PolyPhen-2: "Probably Damaging"; Align-GVGD: "Class C0"). ClinVar contains an entry for this variant (Variation ID: 1007552). This variant has not been reported in the literature in individuals affected with POLD1-related conditions. This variant is not present in population databases (gnomAD no frequency). This sequence change replaces proline, which is neutral and non-polar, with leucine, which is neutral and non-polar, at codon 390 of the POLD1 protein (p.Pro390Leu).

NM_002691.4(POLD1):c.1169C>T (p.Pro390Leu)

Gene: POLD1 (DNA polymerase delta 1, catalytic subunit; plus strand). Cytogenetic location: 19q13.33.
Variant type: single nucleotide variant.
Coding change: c.1169C>T on transcript NM_002691.4 (MANE Select); coding-DNA position 1169, C replaced by T.
Protein change: p.Pro390Leu; replaces proline 390 with leucine.
Molecular consequence: missense variant. On other transcripts: non-coding transcript variant (1).
Genome position (GRCh38, 1-based): chr19:50,403,524, C>T. VCF-style: chr19-50403524-C-T. GRCh37 (hg19) VCF-style: chr19-50906781-C-T.
Other names: c.1169C>T, p.Pro390Leu (NM_001256849.1, NM_001308632.1); short protein forms P390L.
Identifiers: ClinVar variation 1007552 (VCV001007552.10), dbSNP rs2038747210, ClinGen allele CA406978491.
Genomic context (GRCh38, chr19:50,403,524, plus strand): 5'-AGGGTGACCCAATGTGCTCCCACCCCCAGGCCTGGTCCACCTTCATCCGTATCATGGACC[C>T]CGACGTGATCACCGGTTACAACATCCAGAACTTCGACCTTCCGTACCTCATCTCTCGGGC-3'
Protein context (NP_002682.2, residues 380-400): AWSTFIRIMD[Pro390Leu]DVITGYNIQN